The following is an entry in ClinVar:

ClinVar aggregate classification (germline): Pathogenic (1 of 4 stars; one submission).

Conditions:
3-methylcrotonyl-CoA carboxylase 2 deficiency. Also called: METHYLCROTONYLGLYCINURIA, TYPE II; 3 alpha methylcrotonyl-CoA carboxylase 2 deficiency; 3 alpha methylcrotonylglycinuria 2; MCC 2 deficiency; Methylcrotonylglycinuria type 2. Identifiers: Orphanet 6, MedGen C1859499, MONDO:0008862, OMIM 210210.

Submission:

Myriad Genetics, Inc.
Classification: Pathogenic for 3-methylcrotonyl-CoA carboxylase 2 deficiency. Last evaluated: 2025-09-02. Review status: criteria provided, single submitter. Criteria: Myriad Autosomal Dominant, Autosomal Recessive and X-Linked Classification Criteria (2023). Collection method: clinical testing. Allele origin: unknown.
Comment: NM_022132.4(MCCC2):c.541C>T(Q181*) is expected to be pathogenic in the context of 3-methylcrotonyl-CoA carboxylase deficiency, MCCC2-related. This variant is predicted to lead to an abnormal or absent protein product due to the creation of a premature termination codon in MCCC2, a gene where loss-of-function variants are known to be pathogenic. Please note: this variant was assessed in the context of healthy population screening.

NM_022132.5(MCCC2):c.541C>T (p.Gln181Ter)

Gene: MCCC2 (methylcrotonyl-CoA carboxylase subunit 2; plus strand). Cytogenetic location: 5q13.2.
Variant type: single nucleotide variant.
Coding change: c.541C>T on transcript NM_022132.5 (MANE Select); coding-DNA position 541, C replaced by T.
Protein change: p.Gln181Ter; replaces glutamine 181 with a stop codon.
Molecular consequence: nonsense.
Genome position (GRCh38, 1-based): chr5:71,604,385, C>T. VCF-style: chr5-71604385-C-T. GRCh37 (hg19) VCF-style: chr5-70900212-C-T.
Other names: c.541C>T, p.Gln181Ter (NM_001363147.1); short protein forms Q181*.
Identifiers: ClinVar variation 5014932 (VCV005014932.1).
Genomic context (GRCh38, chr5:71,604,385, plus strand): 5'-GATGCTTATGTTTCTCATTTCTTGTCTTCAGTTGATTCGGGAGGAGCATACTTACCTCGA[C>T]AAGCAGATGTGTTTCCAGATCGAGACCACTTTGGCCGTACATTCTATAATCAGGCAATTA-3'